The following is an entry in ClinVar:

NM_000188.3(HK1):c.574G>A (p.Ala192Thr)

Gene: HK1 (hexokinase 1; plus strand). Cytogenetic location: 10q22.1.
Variant type: single nucleotide variant.
Coding change: c.574G>A on transcript NM_000188.3 (MANE Select); coding-DNA position 574, G replaced by A.
Protein change: p.Ala192Thr; replaces alanine 192 with threonine.
Molecular consequence: missense variant. On other transcripts: intron variant (1).
Genome position (GRCh38, 1-based): chr10:69,368,614, G>A. VCF-style: chr10-69368614-G-A. GRCh37 (hg19) VCF-style: chr10-71128370-G-A.
Other names: c.586G>A, p.Ala196Thr (NM_001322364.2, NM_001358263.1, NM_033497.3 and 1 more transcripts); c.679G>A, p.Ala227Thr (NM_001322365.2); c.490G>A, p.Ala164Thr (NM_001322366.1); c.571G>A, p.Ala191Thr (NM_033496.3); c.538G>A, p.Ala180Thr (NM_033500.2); c.496-623G>A (NM_001322367.1); short protein forms A192T, A227T, A196T, A164T, A191T, A180T.
Identifiers: ClinVar variation 2108488 (VCV002108488.4), dbSNP rs1328845858, ClinGen allele CA376913734.
Genomic context (GRCh38, chr10:69,368,614, plus strand): 5'-ACAAAGCGATTTAAAGCGAGCGGAGTGGAAGGAGCAGATGTGGTCAAACTGCTTAACAAA[G>A]CCATCAAAAAGCGAGGGGTAATTTCTCCTGGGCCCTCTGCCTCAGCCATGCAGGGGTGTG-3'
Protein context (NP_000179.2, residues 182-202): GADVVKLLNK[Ala192Thr]IKKRGDYDAN

ClinVar aggregate classification (germline): Uncertain significance (1 of 4 stars; one submission).

Submission:

Labcorp Genetics (formerly Invitae), Labcorp
Classification: Uncertain significance. Last evaluated: 2023-11-27. Review status: criteria provided, single submitter. Criteria: Invitae Variant Classification Sherloc (09022015). Collection method: clinical testing. Allele origin: germline.
Comment: This sequence change replaces alanine, which is neutral and non-polar, with threonine, which is neutral and polar, at codon 192 of the HK1 protein (p.Ala192Thr). This variant is not present in population databases (gnomAD no frequency). This variant has not been reported in the literature in individuals affected with HK1-related conditions. ClinVar contains an entry for this variant (Variation ID: 2108488). Advanced modeling of protein sequence and biophysical properties (such as structural, functional, and spatial information, amino acid conservation, physicochemical variation, residue mobility, and thermodynamic stability) performed at Invitae indicates that this missense variant is not expected to disrupt HK1 protein function with a negative predictive value of 80%. In summary, the available evidence is currently insufficient to determine the role of this variant in disease. Therefore, it has been classified as a Variant of Uncertain Significance.